The following is an entry in ClinVar:

ClinVar aggregate classification (germline): Uncertain significance (1 of 4 stars; one submission).

Allele frequency attached by ClinVar (database versions not stated): gnomAD exomes 0.00001.

Submission:

GeneDx
Classification: Uncertain significance. Last evaluated: 2022-12-13. Review status: criteria provided, single submitter. Criteria: GeneDx Variant Classification Process June 2021. Collection method: clinical testing. Allele origin: germline. Affected: yes.
Comment: Not observed at significant frequency in large population cohorts (gnomAD); In silico analysis supports that this missense variant does not alter protein structure/function; Has not been previously published as pathogenic or benign to our knowledge

NM_004606.5(TAF1):c.818A>G (p.Glu273Gly)

Gene: TAF1 (TATA-box binding protein associated factor 1; plus strand). Cytogenetic location: Xq13.1.
Variant type: single nucleotide variant.
Coding change: c.818A>G on transcript NM_004606.5 (MANE Select); coding-DNA position 818, A replaced by G.
Protein change: p.Glu273Gly; replaces glutamic acid 273 with glycine.
Molecular consequence: missense variant. On other transcripts: non-coding transcript variant (9).
Genome position (GRCh38, 1-based): chrX:71,377,706, A>G. VCF-style: chrX-71377706-A-G. GRCh37 (hg19) VCF-style: chrX-70597556-A-G.
Other names: c.818A>G, p.Glu273Gly (NM_001286074.2); c.755A>G, p.Glu252Gly (NM_138923.4); short protein forms E252G, E273G.
Identifiers: ClinVar variation 1804188 (VCV001804188.1), dbSNP rs1324429882, ClinGen allele CA413507411.
Genomic context (GRCh38, chrX:71,377,706, plus strand): 5'-CATCTGTTTGGCGGAGTGCTCGGAGAAAGAGGAAGAAGAAGCACCGTGAGCTGATACAGG[A>G]AGAGCAGATCCAGGAGGTGGAGTGCTCAGTAGAATCAGAAGTCAGCCAGAAGTCTTTGTG-3'
Protein context (NP_004597.3, residues 263-283): RKKKHRELIQ[Glu273Gly]EQIQEVECSV